The following is an entry in ClinVar:

NM_000059.4(BRCA2):c.1594G>T (p.Glu532Ter)

Gene: BRCA2 (BRCA2 DNA repair associated; plus strand). Cytogenetic location: 13q13.1.
Variant type: single nucleotide variant.
Coding change: c.1594G>T on transcript NM_000059.4 (MANE Select); coding-DNA position 1594, G replaced by T.
Protein change: p.Glu532Ter; replaces glutamic acid 532 with a stop codon.
Molecular consequence: nonsense.
Genome position (GRCh38, 1-based): chr13:32,333,072, G>T. VCF-style: chr13-32333072-G-T. GRCh37 (hg19) VCF-style: chr13-32907209-G-T.
Other names: 1822G>T-Glu532ter; short protein forms E532*.
Identifiers: ClinVar variation 51149 (VCV000051149.7), dbSNP rs138734772, ClinGen allele CA012541.

ClinVar aggregate classification (germline): Pathogenic. Review status: reviewed by expert panel (3 of 4 stars). 2 submissions from 2 submitters: Pathogenic (1). 1 of the submissions does not count toward it. Last evaluated 2016-10-18.

Conditions:
Breast-ovarian cancer, familial, susceptibility to, 2 (BROVCA2). Also called: BRCA2 Hereditary Breast and Ovarian Cancer. Identifiers: Orphanet 145, MedGen C2675520, MONDO:0012933, OMIM 612555. Disease mechanism: loss of function.

Submissions (2):

Evidence-based Network for the Interpretation of Germline Mutant Alleles (ENIGMA)
Classification: Pathogenic for Breast-ovarian cancer, familial, susceptibility to, 2. Last evaluated: 2016-10-18. Review status: reviewed by expert panel. Criteria: ENIGMA BRCA1/2 Classification Criteria (2015). Collection method: curation. Allele origin: germline.
Comment: Variant allele predicted to encode a truncated non-functional protein.

Consortium of Investigators of Modifiers of BRCA1/2 (CIMBA), c/o University of Cambridge
Classification: Pathogenic for Breast-ovarian cancer, familial, susceptibility to, 2. Last evaluated: 2015-10-02. Review status: criteria provided, single submitter. Criteria: CIMBA Mutation Classification guidelines May 2016. Collection method: clinical testing. Allele origin: germline. Not counted in ClinVar's aggregate classification.